The following is an entry in ClinVar:

NM_000081.4(LYST):c.1726G>A (p.Gly576Ser)

Gene: LYST (lysosomal trafficking regulator; minus strand). Cytogenetic location: 1q42.3.
Variant type: single nucleotide variant.
Coding change: c.1726G>A on transcript NM_000081.4 (MANE Select); coding-DNA position 1726, G replaced by A.
Protein change: p.Gly576Ser; replaces glycine 576 with serine.
Molecular consequence: missense variant.
Genome position (GRCh38, 1-based): chr1:235,809,092, C>T on the plus strand (G>A on the coding strand, the complement: LYST is on the minus strand). VCF-style: chr1-235809092-C-T. GRCh37 (hg19) VCF-style: chr1-235972392-C-T.
Other names: c.1726G>A, p.Gly576Ser (NM_001301365.1); short protein forms G576S.
Identifiers: ClinVar variation 1015156 (VCV001015156.6), dbSNP rs760385237, ClinGen allele CA344961778.
Genomic context (GRCh38, chr1:235,809,092, plus strand): 5'-GCAAAGGAATGATTACAGATTTGGGATCCATACAACAGCATATTCCAATGTTATGAACAC[C>T]CGATAGGATCTGGACACAAGTGCTGCTCAAGGAAGCCTGCTGTAGTAAGCGCAAGCACTG-3'
Protein context (NP_000072.2, residues 566-586): LSSTCVQILS[Gly576Ser]VHNIGICCCM

ClinVar aggregate classification (germline): Uncertain significance (1 of 4 stars; one submission).

Conditions:
Chédiak-Higashi syndrome (CHS). Also called: Chediak-Higashi Syndrome. Identifiers: Orphanet 167, MedGen C0007965, MONDO:0008963, OMIM 214500.

Submission:

Labcorp Genetics (formerly Invitae), Labcorp
Classification: Uncertain significance for Chédiak-Higashi syndrome. Last evaluated: 2020-07-12. Review status: criteria provided, single submitter. Criteria: Invitae Variant Classification Sherloc (09022015). Collection method: clinical testing. Allele origin: germline.
Comment: In summary, the available evidence is currently insufficient to determine the role of this variant in disease. Therefore, it has been classified as a Variant of Uncertain Significance. This variant has not been reported in the literature in individuals with LYST-related conditions. Algorithms developed to predict the effect of missense changes on protein structure and function are either unavailable or do not agree on the potential impact of this missense change (SIFT: "Tolerated"; PolyPhen-2: "Probably Damaging"; Align-GVGD: "Class C0"). This variant is not present in population databases (ExAC no frequency). This sequence change replaces glycine with serine at codon 576 of the LYST protein (p.Gly576Ser). The glycine residue is moderately conserved and there is a small physicochemical difference between glycine and serine.